The following is an entry in ClinVar:

NM_005751.5(AKAP9):c.6047G>A (p.Arg2016His)

Gene: AKAP9 (A-kinase anchoring protein 9; plus strand). Cytogenetic location: 7q21.2.
Variant type: single nucleotide variant.
Coding change: c.6047G>A on transcript NM_005751.5 (MANE Select); coding-DNA position 6047, G replaced by A.
Protein change: p.Arg2016His; replaces arginine 2016 with histidine.
Molecular consequence: missense variant.
Genome position (GRCh38, 1-based): chr7:92,065,300, G>A. VCF-style: chr7-92065300-G-A. GRCh37 (hg19) VCF-style: chr7-91694614-G-A.
Other names: c.692G>A, p.Arg231His (NM_001379277.1); c.6047G>A, p.Arg2016His (NM_147185.3); short protein forms R231H, R2016H.
Identifiers: ClinVar variation 1751253 (VCV001751253.5), dbSNP rs778790678, ClinGen allele CA4336992.

ClinVar aggregate classification (germline): Uncertain significance. Review status: criteria provided, multiple submitters, no conflicts (2 of 4 stars). 2 submissions from 2 submitters: Uncertain significance (2). Last evaluated 2025-12-18.

Conditions:
Cardiovascular phenotype. Identifiers: MedGen CN230736.
Long QT syndrome (LQTS). Identifiers: MedGen C0023976, MeSH D008133, MONDO:0002442. Disease mechanism: loss of function. Inheritance: Various modes of inheritance.

Allele frequency attached by ClinVar (database versions not stated): TOPMed below 0.00001; ExAC 0.00002; gnomAD exomes below 0.00001; gnomAD 0.00001.
gnomAD v4.1: 11 of 1,612,928 alleles (0.00068%); highest among the groups gnomAD compares: Middle Eastern, 0.016%; no homozygotes.

Submissions (2):

Labcorp Genetics (formerly Invitae), Labcorp
Classification: Uncertain significance for Long QT syndrome. Last evaluated: 2025-12-18. Review status: criteria provided, single submitter. Criteria: Invitae Variant Classification Sherloc (09022015). Collection method: clinical testing. Allele origin: germline.
Comment: This sequence change replaces arginine, which is basic and polar, with histidine, which is basic and polar, at codon 2016 of the AKAP9 protein (p.Arg2016His). This variant is present in population databases (rs778790678, gnomAD 0.006%). This variant has not been reported in the literature in individuals affected with AKAP9-related conditions. ClinVar contains an entry for this variant (Variation ID: 1751253). An algorithm developed to predict the effect of missense changes on protein structure and function outputs the following: PolyPhen-2: "Benign". The histidine amino acid residue is found in multiple mammalian species, which suggests that this missense change does not adversely affect protein function. In summary, the available evidence is currently insufficient to determine the role of this variant in disease. Therefore, it has been classified as a Variant of Uncertain Significance.

Ambry Genetics
Classification: Uncertain significance for Cardiovascular phenotype. Last evaluated: 2023-09-29. Review status: criteria provided, single submitter. Criteria: Ambry Variant Classification Scheme 2023. Collection method: clinical testing. Allele origin: germline.